The following is an entry in ClinVar:

ClinVar aggregate classification (germline): Pathogenic. Review status: criteria provided, multiple submitters, no conflicts (2 of 4 stars). 2 submissions from 2 submitters: Pathogenic (2). Last evaluated 2023-09-30.

Conditions:
BEST1-related disorder. Also called: BEST1-related disorders; BEST1-related condition. Identifiers: MedGen CN239200.

Submissions (2):

Labcorp Genetics (formerly Invitae), Labcorp
Classification: Pathogenic. Last evaluated: 2023-09-30. Review status: criteria provided, single submitter. Criteria: Invitae Variant Classification Sherloc (09022015). Collection method: clinical testing. Allele origin: germline.
Comment: A different variant (c.240C>A) giving rise to the same protein effect has been determined to be pathogenic (PMID: 21878505, 25082885, 26201355). This suggests that this variant is also likely to be causative of disease. This sequence change replaces phenylalanine, which is neutral and non-polar, with leucine, which is neutral and non-polar, at codon 80 of the BEST1 protein (p.Phe80Leu). This variant is not present in population databases (gnomAD no frequency). ClinVar contains an entry for this variant (Variation ID: 1459557). Advanced modeling of protein sequence and biophysical properties (such as structural, functional, and spatial information, amino acid conservation, physicochemical variation, residue mobility, and thermodynamic stability) performed at Invitae indicates that this missense variant is expected to disrupt BEST1 protein function. This variant disrupts the p.Phe80 amino acid residue in BEST1. Other variant(s) that disrupt this residue have been determined to be pathogenic (PMID: 21878505, 25082885, 26201355, 28806213). This suggests that this residue is clinically significant, and that variants that disrupt this residue are likely to be disease-causing. For these reasons, this variant has been classified as Pathogenic.

Blueprint Genetics
Classification: Pathogenic for BEST1-related disorders. Last evaluated: 2022-11-22. Review status: criteria provided, single submitter. Criteria: ACMG Guidelines, 2015. Collection method: clinical testing. Allele origin: germline. Affected: yes. Observed: 2 variant alleles.

Literature cited by the submitters: PubMed 21878505 (cited by Labcorp Genetics (formerly Invitae), Labcorp); PubMed 25082885 (cited by Labcorp Genetics (formerly Invitae), Labcorp); PubMed 26201355 (cited by Labcorp Genetics (formerly Invitae), Labcorp); PubMed 28806213 (cited by Labcorp Genetics (formerly Invitae), Labcorp).

NM_004183.4(BEST1):c.240C>G (p.Phe80Leu)

Gene: BEST1 (bestrophin 1; plus strand). Cytogenetic location: 11q12.3.
Variant type: single nucleotide variant.
Coding change: c.240C>G on transcript NM_004183.4 (MANE Select); coding-DNA position 240, C replaced by G.
Protein change: p.Phe80Leu; replaces phenylalanine 80 with leucine.
Molecular consequence: missense variant. On other transcripts: non-coding transcript variant (1).
Genome position (GRCh38, 1-based): chr11:61,955,194, C>G. VCF-style: chr11-61955194-C-G. GRCh37 (hg19) VCF-style: chr11-61722666-C-G.
Other names: c.60C>G, p.Phe20Leu (NM_001139443.3, NM_001300786.2, NM_001300787.2); c.240C>G, p.Phe80Leu (NM_001363592.2); short protein forms F80L, F20L.
Identifiers: ClinVar variation 1459557 (VCV001459557.9), dbSNP rs281865221, ClinGen allele CA380833835.